The following is an entry in ClinVar:

ClinVar aggregate classification (germline): Uncertain significance (1 of 4 stars; one submission).

Conditions:
Peutz-Jeghers syndrome (PJS). Also called: POLYPOSIS, HAMARTOMATOUS INTESTINAL; POLYPS-AND-SPOTS SYNDROME; Peutz-Jeghers polyposis; Periorificial lentiginosis syndrome. Identifiers: Orphanet 2869, MedGen C0031269, MeSH D010580, MONDO:0008280, OMIM 175200.

Submission:

Labcorp Genetics (formerly Invitae), Labcorp
Classification: Uncertain significance for Peutz-Jeghers syndrome. Last evaluated: 2024-10-21. Review status: criteria provided, single submitter. Criteria: Invitae Variant Classification Sherloc (09022015). Collection method: clinical testing. Allele origin: germline.
Comment: This sequence change affects codon 47 of the STK11 mRNA. It is a 'silent' change, meaning that it does not change the encoded amino acid sequence of the STK11 protein. RNA analysis indicates that this variant induces altered splicing and may result in an absent or altered protein product. This variant is not present in population databases (gnomAD no frequency). This variant has not been reported in the literature in individuals affected with STK11-related conditions. Studies have shown that this variant results in activation of a cryptic splice site, and produces a non-functional protein and/or introduces a premature termination codon (internal data). In summary, the available evidence is currently insufficient to determine the role of this variant in disease. Therefore, it has been classified as a Variant of Uncertain Significance.

NM_000455.5(STK11):c.141C>T (p.Gly47=)

Gene: STK11 (serine/threonine kinase 11; plus strand). Cytogenetic location: 19p13.3.
Variant type: single nucleotide variant.
Coding change: c.141C>T on transcript NM_000455.5 (MANE Select); coding-DNA position 141, C replaced by T.
Protein change: p.Gly47=; no amino-acid change (glycine 47 retained).
Molecular consequence: synonymous variant. On other transcripts: non-coding transcript variant (1).
Genome position (GRCh38, 1-based): chr19:1,207,054, C>T. VCF-style: chr19-1207054-C-T. GRCh37 (hg19) VCF-style: chr19-1207053-C-T.
Other names: c.141C>T, p.Gly47= (NM_001407255.1).
Identifiers: ClinVar variation 3723346 (VCV003723346.2).
Genomic context (GRCh38, chr19:1,207,054, plus strand): 5'-CCGCATCGACTCCACCGAGGTCATCTACCAGCCGCGCCGCAAGCGGGCCAAGCTCATCGG[C>T]AAGTACCTGATGGGGGACCTGCTGGGGGAAGGCTCTTACGGCAAGGTGAAGGAGGTGCTG-3'
Protein context (NP_000446.1, residues 37-57): QPRRKRAKLI[Gly47=]KYLMGDLLGE